The following is an entry in ClinVar:

ClinVar aggregate classification (germline): Uncertain significance (1 of 4 stars; one submission).

Conditions:
Inborn genetic diseases. Identifiers: MedGen C0950123, MeSH D030342.

Allele frequency attached by ClinVar (database versions not stated): gnomAD exomes below 0.00001.
gnomAD v4.1: 1 of 1,614,166 alleles (0.000062%); highest among the groups gnomAD compares: Non-Finnish European, 0.000085%; no homozygotes.

Submission:

Ambry Genetics
Classification: Uncertain significance for Inborn genetic diseases. Last evaluated: 2021-12-25. Review status: criteria provided, single submitter. Criteria: Ambry Variant Classification Scheme 2023. Collection method: clinical testing. Allele origin: germline.
Comment: The p.P783S variant (also known as c.2347C>T), located in coding exon 15 of the EPAS1 gene, results from a C to T substitution at nucleotide position 2347. The proline at codon 783 is replaced by serine, an amino acid with similar properties. This amino acid position is conserved. In addition, this alteration is predicted to be tolerated by in silico analysis. Since supporting evidence is limited at this time, the clinical significance of this alteration remains unclear.

NM_001430.5(EPAS1):c.2347C>T (p.Pro783Ser)

Gene: EPAS1 (endothelial PAS domain protein 1; plus strand). Cytogenetic location: 2p21.
Variant type: single nucleotide variant.
Coding change: c.2347C>T on transcript NM_001430.5 (MANE Select); coding-DNA position 2347, C replaced by T.
Protein change: p.Pro783Ser; replaces proline 783 with serine.
Molecular consequence: missense variant.
Genome position (GRCh38, 1-based): chr2:46,382,484, C>T. VCF-style: chr2-46382484-C-T. GRCh37 (hg19) VCF-style: chr2-46609623-C-T.
Other names: short protein forms P783S.
Identifiers: ClinVar variation 1789937 (VCV001789937.2), dbSNP rs2546480817, ClinGen allele CA346706071.